The following is an entry in ClinVar:

ClinVar aggregate classification (germline): Uncertain significance (1 of 4 stars; one submission).

Conditions:
Compton-North congenital myopathy (CMYO12). Identifiers: Orphanet 210163, MedGen C2675527, MONDO:0012929, OMIM 612540.

Allele frequency attached by ClinVar (database versions not stated): gnomAD 0.00001; gnomAD exomes 0.00001; TOPMed 0.00001.
gnomAD v4.1: 6 of 1,612,382 alleles (0.00037%); highest among the groups gnomAD compares: African/African-American, 0.0013%; no homozygotes.

Submission:

Labcorp Genetics (formerly Invitae), Labcorp
Classification: Uncertain significance for Compton-North congenital myopathy. Last evaluated: 2020-11-02. Review status: criteria provided, single submitter. Criteria: Invitae Variant Classification Sherloc (09022015). Collection method: clinical testing. Allele origin: germline.
Comment: In summary, the available evidence is currently insufficient to determine the role of this variant in disease. Therefore, it has been classified as a Variant of Uncertain Significance. Advanced modeling of protein sequence and biophysical properties (such as structural, functional, and spatial information, amino acid conservation, physicochemical variation, residue mobility, and thermodynamic stability) performed at Invitae indicates that this missense variant is not expected to disrupt CNTN1 protein function. This variant has not been reported in the literature in individuals with CNTN1-related conditions. This variant is not present in population databases (ExAC no frequency). This sequence change replaces isoleucine with valine at codon 181 of the CNTN1 protein (p.Ile181Val). The isoleucine residue is highly conserved and there is a small physicochemical difference between isoleucine and valine.

NM_001843.4(CNTN1):c.541A>G (p.Ile181Val)

Gene: CNTN1 (contactin 1; plus strand). Cytogenetic location: 12q12.
Variant type: single nucleotide variant.
Coding change: c.541A>G on transcript NM_001843.4 (MANE Select); coding-DNA position 541, A replaced by G.
Protein change: p.Ile181Val; replaces isoleucine 181 with valine.
Molecular consequence: missense variant.
Genome position (GRCh38, 1-based): chr12:40,929,840, A>G. VCF-style: chr12-40929840-A-G. GRCh37 (hg19) VCF-style: chr12-41323642-A-G.
Other names: c.541A>G, p.Ile181Val (NM_001256063.2, NM_001256064.2); c.508A>G, p.Ile170Val (NM_175038.2); short protein forms I170V, I181V.
Identifiers: ClinVar variation 1019329 (VCV001019329.9), dbSNP rs1481545617, ClinGen allele CA384422549.